The following is an entry in ClinVar:

NM_025216.3(WNT10A):c.443C>T (p.Ala148Val)

Gene: WNT10A (Wnt family member 10A; plus strand). Cytogenetic location: 2q35.
Variant type: single nucleotide variant.
Coding change: c.443C>T on transcript NM_025216.3 (MANE Select); coding-DNA position 443, C replaced by T.
Protein change: p.Ala148Val; replaces alanine 148 with valine.
Molecular consequence: missense variant.
Genome position (GRCh38, 1-based): chr2:218,890,050, C>T. VCF-style: chr2-218890050-C-T. GRCh37 (hg19) VCF-style: chr2-219754772-C-T.
Other names: short protein forms A148V.
Identifiers: ClinVar variation 899013 (VCV000899013.9), dbSNP rs373695499, ClinGen allele CA2113933.

ClinVar aggregate classification (germline): Uncertain significance. Review status: criteria provided, multiple submitters, no conflicts (2 of 4 stars). 6 submissions from 4 submitters: Uncertain significance (6). Last evaluated 2025-02-20.

Conditions:
Tooth agenesis, selective, 4 (STHAG4). Also called: SUCCEDANEOUS TEETH, AGENESIS OF; TOOTH AGENESIS, SELECTIVE, 4, WITH OR WITHOUT ECTODERMAL DYSPLASIA; LATERAL INCISORS, ABSENCE OF; LATERAL INCISORS, PEGGED OR MISSING. Identifiers: Orphanet 99798, MedGen C1835492, MONDO:0007881, OMIM 150400. Disease mechanism: loss of function.
Odonto-onycho-dermal dysplasia. Identifiers: Orphanet 2721, MedGen C0796093, MONDO:0009773, OMIM 257980.
WNT10A-related disorder. Also called: WNT10A-related disorders; WNT10A-related condition.
Schöpf-Schulz-Passarge syndrome. Also called: KERATOSIS PALMOPLANTARIS WITH CYSTIC EYELIDS, HYPODONTIA, AND HYPOTRICHOSIS; SchC6pf-Schulz-Passarge syndrome; ECCRINE TUMORS WITH ECTODERMAL DYSPLASIA. Identifiers: Orphanet 50944, MedGen C1857069, MONDO:0009145, OMIM 224750.

Allele frequency attached by ClinVar (database versions not stated): gnomAD 0.00001; ExAC 0.00002; gnomAD exomes 0.00002 and 0.00006; TOPMed 0.00002; ESP Exome Variant Server 0.00008.
gnomAD v4.1: 84 of 1,613,878 alleles (0.0052%); highest among the groups gnomAD compares: Non-Finnish European, 0.0067%; no homozygotes.

Submissions (6):

Labcorp Genetics (formerly Invitae), Labcorp
Classification: Uncertain significance for Tooth agenesis, selective, 4; Odonto-onycho-dermal dysplasia. Last evaluated: 2025-02-20. Review status: criteria provided, single submitter. Criteria: Invitae Variant Classification Sherloc (09022015). Collection method: clinical testing. Allele origin: germline.
Comment: This sequence change replaces alanine, which is neutral and non-polar, with valine, which is neutral and non-polar, at codon 148 of the WNT10A protein (p.Ala148Val). This variant is present in population databases (rs373695499, gnomAD 0.004%). This variant has not been reported in the literature in individuals affected with WNT10A-related conditions. ClinVar contains an entry for this variant (Variation ID: 899013). Invitae Evidence Modeling of protein sequence and biophysical properties (such as structural, functional, and spatial information, amino acid conservation, physicochemical variation, residue mobility, and thermodynamic stability) indicates that this missense variant is expected to disrupt WNT10A protein function with a positive predictive value of 80%. In summary, the available evidence is currently insufficient to determine the role of this variant in disease. Therefore, it has been classified as a Variant of Uncertain Significance.

PreventionGenetics, part of Exact Sciences
Classification: Uncertain significance for WNT10A-related condition. Last evaluated: 2024-11-20. Review status: criteria provided, single submitter. Criteria: ACMG Guidelines, 2015. Collection method: clinical testing. Allele origin: germline.
Comment: The WNT10A c.443C>T variant is predicted to result in the amino acid substitution p.Ala148Val. To our knowledge, this variant has not been reported in the literature. This variant is reported in 0.0035% of alleles in individuals of European (Non-Finnish) descent in gnomAD. Although we suspect that this variant may be pathogenic, at this time, the clinical significance of this variant is uncertain due to the absence of conclusive functional and genetic evidence.

Blueprint Genetics
Classification: Uncertain significance. Last evaluated: 2024-09-23. Review status: criteria provided, single submitter. Criteria: ACMG Guidelines, 2015. Collection method: clinical testing. Allele origin: germline.

Illumina Laboratory Services, Illumina
Classification: Uncertain significance for Schöpf-Schulz-Passarge syndrome. Last evaluated: 2018-01-12. Review status: criteria provided, single submitter. Criteria: ICSL Variant Classification Criteria 13 December 2019. Collection method: clinical testing. Allele origin: germline.

Illumina Laboratory Services, Illumina
Classification: Uncertain significance for Odonto-onycho-dermal dysplasia. Last evaluated: 2018-01-12. Review status: criteria provided, single submitter. Criteria: ICSL Variant Classification Criteria 13 December 2019. Collection method: clinical testing. Allele origin: germline.

Illumina Laboratory Services, Illumina
Classification: Uncertain significance for Tooth agenesis, selective, 4. Last evaluated: 2018-01-12. Review status: criteria provided, single submitter. Criteria: ICSL Variant Classification Criteria 13 December 2019. Collection method: clinical testing. Allele origin: germline.